The following is an entry in ClinVar:

ClinVar aggregate classification (germline): Uncertain significance (1 of 4 stars; one submission).

Conditions:
DK1-congenital disorder of glycosylation. Also called: CDG Im; DK1 DEFICIENCY; DOLICHOL KINASE DEFICIENCY; DOLK-congenital disorder of glycosylation; Carbohydrate deficient glycoprotein syndrome type 1m; DK1-CDG. Identifiers: Orphanet 91131, MedGen C1835849, MONDO:0012556, OMIM 610768.

Submission:

Labcorp Genetics (formerly Invitae), Labcorp
Classification: Uncertain significance for DK1-congenital disorder of glycosylation. Last evaluated: 2019-10-18. Review status: criteria provided, single submitter. Criteria: Invitae Variant Classification Sherloc (09022015). Collection method: clinical testing. Allele origin: germline.
Comment: This variant has not been reported in the literature in individuals with DOLK-related conditions. This sequence change replaces leucine with phenylalanine at codon 287 of the DOLK protein (p.Leu287Phe). The leucine residue is highly conserved and there is a small physicochemical difference between leucine and phenylalanine. This variant is not present in population databases (ExAC no frequency). In summary, the available evidence is currently insufficient to determine the role of this variant in disease. Therefore, it has been classified as a Variant of Uncertain Significance. Algorithms developed to predict the effect of missense changes on protein structure and function are either unavailable or do not agree on the potential impact of this missense change (SIFT: "Deleterious"; PolyPhen-2: "Benign"; Align-GVGD: "Class C0").

NM_014908.4(DOLK):c.859C>T (p.Leu287Phe)

Gene: DOLK (dolichol kinase; minus strand). Cytogenetic location: 9q34.11.
Variant type: single nucleotide variant.
Coding change: c.859C>T on transcript NM_014908.4 (MANE Select); coding-DNA position 859, C replaced by T.
Protein change: p.Leu287Phe; replaces leucine 287 with phenylalanine.
Molecular consequence: missense variant.
Genome position (GRCh38, 1-based): chr9:128,946,445, G>A on the plus strand (C>T on the coding strand, the complement: DOLK is on the minus strand). VCF-style: chr9-128946445-G-A. GRCh37 (hg19) VCF-style: chr9-131708724-G-A.
Other names: short protein forms L287F.
Identifiers: ClinVar variation 934281 (VCV000934281.10), dbSNP rs1841670200, ClinGen allele CA375122266.